The following is an entry in ClinVar:

NM_001205293.3(CACNA1E):c.6736GAG[2] (p.Glu2248del)

Gene: CACNA1E (calcium voltage-gated channel subunit alpha1 E; plus strand). Cytogenetic location: 1q25.3.
Variant type: Microsatellite.
Coding change: c.6736GAG[2] on transcript NM_001205293.3 (MANE Select); two copies in a row of the 3-base unit GAG starting at c.6736; the reference has three copies in a row; one copy, 3 bases deleted.
Protein change: p.Glu2248del; deletes glutamic acid 2248.
Molecular consequence: inframe deletion.
Genome position (GRCh38, 1-based): chr1:181,798,634-181,798,636, GAG deleted; deleting any 3 consecutive bases within chr1:181,798,628-181,798,636 gives the same sequence; the position shown is the placement nearest the transcript's 3' end. VCF-style (leftmost placement, unchanged base first): chr1-181798627-TGAG-T. GRCh37 (hg19) VCF-style: chr1-181767763-TGAG-T.
Other names: c.6607GAG[2], p.Glu2205del (NM_000721.4); c.6550GAG[2], p.Glu2186del (NM_001205294.2); c.6742_6744delGAG (NM_001205293.1); short protein forms E2186del, E2248del, E2205del.
Identifiers: ClinVar variation 1990032 (VCV001990032.5), dbSNP rs781565844, ClinGen allele CA1276486.

ClinVar aggregate classification (germline): Conflicting classifications of pathogenicity. Review status: criteria provided, conflicting classifications (1 of 4 stars). 2 submissions from 2 submitters: Uncertain significance (1); Likely benign (1). Last evaluated 2025-06-04.

Conditions:
Inborn genetic diseases. Identifiers: MedGen C0950123, MeSH D030342.

Submissions (2):

Labcorp Genetics (formerly Invitae), Labcorp
Classification: Uncertain significance. Last evaluated: 2025-06-04. Review status: criteria provided, single submitter. Criteria: Invitae Variant Classification Sherloc (09022015). Collection method: clinical testing. Allele origin: germline.
Comment: This variant, c.6613_6615del, results in the deletion of 1 amino acid(s) of the CACNA1E protein (p.Glu2205del), but otherwise preserves the integrity of the reading frame. This variant is present in population databases (rs781565844, gnomAD 0.0009%). This variant has not been reported in the literature in individuals affected with CACNA1E-related conditions. Experimental studies and prediction algorithms are not available or were not evaluated, and the functional significance of this variant is currently unknown. In summary, the available evidence is currently insufficient to determine the role of this variant in disease. Therefore, it has been classified as a Variant of Uncertain Significance.

Ambry Genetics
Classification: Likely benign for Inborn genetic diseases. Last evaluated: 2024-08-21. Review status: criteria provided, single submitter. Criteria: Ambry Variant Classification Scheme 2023. Collection method: clinical testing. Allele origin: germline.